The following is an entry in ClinVar:

NM_000465.4(BARD1):c.2248G>T (p.Val750Phe)

Gene: BARD1 (BRCA1 associated RING domain 1; minus strand). Cytogenetic location: 2q35.
Variant type: single nucleotide variant.
Coding change: c.2248G>T on transcript NM_000465.4 (MANE Select); coding-DNA position 2248, G replaced by T.
Protein change: p.Val750Phe; replaces valine 750 with phenylalanine.
Molecular consequence: missense variant. On other transcripts: non-coding transcript variant (3).
Genome position (GRCh38, 1-based): chr2:214,728,762, C>A on the plus strand (G>T on the coding strand, the complement: BARD1 is on the minus strand). VCF-style: chr2-214728762-C-A. GRCh37 (hg19) VCF-style: chr2-215593486-C-A.
Other names: c.2248G>T (NM_000465.2); c.2191G>T, p.Val731Phe (NM_001282543.2); c.895G>T, p.Val299Phe (NM_001282545.2); c.838G>T, p.Val280Phe (NM_001282548.2); c.709G>T, p.Val237Phe (NM_001282549.2); short protein forms V280F, V731F, V750F, V237F, V299F.
Identifiers: ClinVar variation 1473721 (VCV001473721.10), dbSNP rs34677017, ClinGen allele CA350449994.

ClinVar aggregate classification (germline): Uncertain significance. Review status: criteria provided, multiple submitters, no conflicts (2 of 4 stars). 2 submissions from 2 submitters: Uncertain significance (2). Last evaluated 2025-08-14.

Conditions:
Hereditary cancer-predisposing syndrome. Also called: Neoplastic Syndromes, Hereditary; Hereditary Cancer Syndrome; Tumor predisposition; Hereditary neoplastic syndrome. Identifiers: Orphanet 140162, MedGen C0027672, MeSH D009386, MONDO:0015356.
Familial cancer of breast. Also called: hereditary breast carcinoma; BREAST CANCER, FAMILIAL; Hereditary breast cancer. Identifiers: Orphanet 227535, MedGen C0346153, MONDO:0016419, OMIM 114480. Disease mechanism: loss of function.

gnomAD v4.1: 1 of 1,614,172 alleles (0.000062%); no homozygotes.

Submissions (2):

Ambry Genetics
Classification: Uncertain significance for Hereditary cancer-predisposing syndrome. Last evaluated: 2025-08-14. Review status: criteria provided, single submitter. Criteria: Ambry Variant Classification Scheme 2023. Collection method: clinical testing. Allele origin: germline.
Comment: The p.V750F variant (also known as c.2248G>T), located in coding exon 11 of the BARD1 gene, results from a G to T substitution at nucleotide position 2248. The valine at codon 750 is replaced by phenylalanine, an amino acid with highly similar properties. This amino acid position is conserved. In addition, this alteration is predicted to be tolerated by in silico analysis. Based on the available evidence, the clinical significance of this variant remains unclear.

Labcorp Genetics (formerly Invitae), Labcorp
Classification: Uncertain significance for Familial cancer of breast. Last evaluated: 2025-07-06. Review status: criteria provided, single submitter. Criteria: Invitae Variant Classification Sherloc (09022015). Collection method: clinical testing. Allele origin: germline.
Comment: This sequence change replaces valine, which is neutral and non-polar, with phenylalanine, which is neutral and non-polar, at codon 750 of the BARD1 protein (p.Val750Phe). This variant is not present in population databases (gnomAD no frequency). This variant has not been reported in the literature in individuals affected with BARD1-related conditions. ClinVar contains an entry for this variant (Variation ID: 1473721). An algorithm developed to predict the effect of missense changes on protein structure and function (PolyPhen-2) suggests that this variant is likely to be disruptive. In summary, the available evidence is currently insufficient to determine the role of this variant in disease. Therefore, it has been classified as a Variant of Uncertain Significance.